The following is an entry in ClinVar:

ClinVar aggregate classification (germline): Uncertain significance. Review status: criteria provided, multiple submitters, no conflicts (2 of 4 stars). 2 submissions from 2 submitters: Uncertain significance (2). Last evaluated 2025-05-25.

Conditions:
Dyskeratosis congenita, autosomal recessive 5 (DKCB5). Identifiers: MedGen C3554656, MONDO:0014076, OMIM 615190.
Pulmonary fibrosis and/or bone marrow failure, Telomere-related, 3. Also called: PULMONARY FIBROSIS AND/OR BONE MARROW FAILURE SYNDROME, TELOMERE-RELATED, 3. Identifiers: Orphanet 2032, MedGen C4225346, MONDO:0014613, OMIM 616373.
Inborn genetic diseases. Identifiers: MedGen C0950123, MeSH D030342.

Submissions (2):

Ambry Genetics
Classification: Uncertain significance for Inborn genetic diseases. Last evaluated: 2025-05-25. Review status: criteria provided, single submitter. Criteria: Ambry Variant Classification Scheme 2023. Collection method: clinical testing. Allele origin: germline.
Comment: The p.L994R variant (also known as c.2981T>G), located in coding exon 29 of the RTEL1 gene, results from a T to G substitution at nucleotide position 2981. The leucine at codon 994 is replaced by arginine, an amino acid with dissimilar properties. This amino acid position is conserved. In addition, this alteration is predicted to be tolerated by in silico analysis. Based on the available evidence, the clinical significance of this variant remains unclear.

Fulgent Genetics
Classification: Uncertain significance for Dyskeratosis congenita, autosomal recessive 5; Pulmonary fibrosis and/or bone marrow failure, Telomere-related, 3. Last evaluated: 2024-05-02. Review status: criteria provided, single submitter. Criteria: ACMG Guidelines, 2015. Collection method: clinical testing. Allele origin: germline.

NM_001283009.2(RTEL1):c.2981T>G (p.Leu994Arg)

Genes: RTEL1 (regulator of telomere elongation helicase 1; plus strand), RTEL1-TNFRSF6B (RTEL1-TNFRSF6B readthrough (NMD candidate); plus strand). Cytogenetic location: 20q13.33.
Variant type: single nucleotide variant.
Coding change: c.2981T>G on transcript NM_001283009.2 (MANE Select); coding-DNA position 2981, T replaced by G.
Protein change: p.Leu994Arg; replaces leucine 994 with arginine.
Molecular consequence: missense variant. On other transcripts: non-coding transcript variant (1).
Genome position (GRCh38, 1-based): chr20:63,693,272, T>G. VCF-style: chr20-63693272-T-G. GRCh37 (hg19) VCF-style: chr20-62324625-T-G.
Other names: c.2312T>G, p.Leu771Arg (NM_001283010.1); c.2981T>G, p.Leu994Arg (NM_016434.4); c.3053T>G, p.Leu1018Arg (NM_032957.5); short protein forms L994R, L1018R, L771R.
Identifiers: ClinVar variation 3587614 (VCV003587614.2).